The following is an entry in ClinVar:

ClinVar aggregate classification (germline): Likely benign. Review status: criteria provided, multiple submitters, no conflicts (2 of 4 stars). 2 submissions from 2 submitters: Likely benign (2). Last evaluated 2024-12-10.

Conditions:
UBR1-related disorder. Also called: UBR1-related condition.

Allele frequency attached by ClinVar (database versions not stated): ExAC 0.00009; ESP Exome Variant Server 0.00023; TOPMed 0.00030; gnomAD 0.00031; 1000 Genomes Project 30x 0.00094; 1000 Genomes Project 0.00100.
gnomAD v4.1: 83 of 1,614,042 alleles (0.0051%); highest among the groups gnomAD compares: African/African-American, 0.088%; no homozygotes.

Submissions (2):

PreventionGenetics, part of Exact Sciences
Classification: Likely benign for UBR1-related condition. Last evaluated: 2024-12-10. Review status: criteria provided, single submitter. Criteria: ACMG Guidelines, 2015. Collection method: clinical testing. Allele origin: germline.
Comment: This variant is classified as likely benign based on ACMG/AMP sequence variant interpretation guidelines (Richards et al. 2015 PMID: 25741868, with internal and published modifications).

Labcorp Genetics (formerly Invitae), Labcorp
Classification: Likely benign. Last evaluated: 2024-03-01. Review status: criteria provided, single submitter. Criteria: Invitae Variant Classification Sherloc (09022015). Collection method: clinical testing. Allele origin: germline.

NM_174916.3(UBR1):c.3351G>A (p.Ser1117=)

Gene: UBR1 (ubiquitin protein ligase E3 component n-recognin 1; minus strand). Cytogenetic location: 15q15.2.
Variant type: single nucleotide variant.
Coding change: c.3351G>A on transcript NM_174916.3 (MANE Select); coding-DNA position 3351, G replaced by A.
Protein change: p.Ser1117=; no amino-acid change (serine 1117 retained).
Molecular consequence: synonymous variant.
Genome position (GRCh38, 1-based): chr15:43,007,143, C>T on the plus strand (G>A on the coding strand, the complement: UBR1 is on the minus strand). VCF-style: chr15-43007143-C-T. GRCh37 (hg19) VCF-style: chr15-43299341-C-T.
Other names: c.3351G>A (NM_174916.2).
Identifiers: ClinVar variation 1549679 (VCV001549679.9), dbSNP rs373656330, ClinGen allele CA7518189.